The following is an entry in ClinVar:

ClinVar aggregate classification (germline): Uncertain significance (1 of 4 stars; one submission).

Conditions:
Susceptibility to respiratory infections associated with CD8alpha chain mutation (IMD116). Also called: Cd8 deficiency, familial; IMMUNODEFICIENCY 116. Identifiers: Orphanet 169085, MedGen C1837065, MONDO:0012161, OMIM 608957.

Allele frequency attached by ClinVar (database versions not stated): gnomAD exomes below 0.00001 and 0.00001.
gnomAD v4.1: 9 of 1,614,066 alleles (0.00056%); highest among the groups gnomAD compares: South Asian, 0.0099%; no homozygotes.

Submission:

Labcorp Genetics (formerly Invitae), Labcorp
Classification: Uncertain significance for Susceptibility to respiratory infections associated with CD8alpha chain mutation. Last evaluated: 2022-07-06. Review status: criteria provided, single submitter. Criteria: Invitae Variant Classification Sherloc (09022015). Collection method: clinical testing. Allele origin: germline.
Comment: ClinVar contains an entry for this variant (Variation ID: 1471177). In summary, the available evidence is currently insufficient to determine the role of this variant in disease. Therefore, it has been classified as a Variant of Uncertain Significance. Algorithms developed to predict the effect of missense changes on protein structure and function are either unavailable or do not agree on the potential impact of this missense change (SIFT: "Tolerated"; PolyPhen-2: "Probably Damaging"; Align-GVGD: "Class C0"). This variant has not been reported in the literature in individuals affected with CD8A-related conditions. This variant is present in population databases (no rsID available, gnomAD 0.003%). This sequence change replaces proline, which is neutral and non-polar, with serine, which is neutral and polar, at codon 188 of the CD8A protein (p.Pro188Ser).

NM_001768.7(CD8A):c.562C>T (p.Pro188Ser)

Gene: CD8A (CD8 subunit alpha; minus strand). Cytogenetic location: 2p11.2.
Variant type: single nucleotide variant.
Coding change: c.562C>T on transcript NM_001768.7 (MANE Select); coding-DNA position 562, C replaced by T.
Protein change: p.Pro188Ser; replaces proline 188 with serine.
Molecular consequence: missense variant. On other transcripts: non-coding transcript variant (2), intron variant (1).
Genome position (GRCh38, 1-based): chr2:86,789,386, G>A on the plus strand (C>T on the coding strand, the complement: CD8A is on the minus strand). VCF-style: chr2-86789386-G-A. GRCh37 (hg19) VCF-style: chr2-87016509-G-A.
Other names: c.562C>T, p.Pro188Ser (NM_001145873.1, NM_001382698.1); c.514+254C>T (NM_171827.4); short protein forms P188S.
Identifiers: ClinVar variation 1471177 (VCV001471177.6), dbSNP rs1400052491, ClinGen allele CA347576078.
Genomic context (GRCh38, chr2:86,789,386, plus strand): 5'-GGTTGCAGTAAAGGGTGATAACCAGTGACAGGAGAAGGACCCCACAAGTCCCGGCCAAGG[G>A]CGCCCAGATGTAGATATCACAGGCGAAGTCCAGCCCCCTCGTGTGCACTGACGACACCAA-3'
Protein context (NP_001759.3, residues 178-198): DFACDIYIWA[Pro188Ser]LAGTCGVLLL